The following is an entry in ClinVar:

ClinVar aggregate classification (germline): Likely benign (1 of 4 stars; one submission).

gnomAD v4.1: 1 of 1,609,910 alleles (0.000062%); highest among the groups gnomAD compares: Middle Eastern, 0.017%; no homozygotes.

Submission:

Women's Health and Genetics/Laboratory Corporation of America, LabCorp
Classification: Likely benign. Last evaluated: 2024-08-05. Review status: criteria provided, single submitter. Criteria: LabCorp Variant Classification Summary - May 2015. Collection method: clinical testing. Allele origin: germline.
Comment: Variant summary: HK1 c.64-9C>T alters a non-conserved nucleotide located at a position not widely known to affect splicing. The variant was absent in 251338 control chromosomes. The available data on variant occurrences in the general population are insufficient to allow any conclusion about variant significance. To our knowledge, no occurrence of c.64-9C>T in individuals affected with HK1-Related Disorders and no experimental evidence demonstrating its impact on protein function have been reported. No submitters have cited clinical-significance assessments for this variant to ClinVar. Based on the evidence outlined above, the variant was classified as likely benign.

NM_000188.3(HK1):c.64-9C>T

Gene: HK1 (hexokinase 1; plus strand). Cytogenetic location: 10q22.1.
Variant type: single nucleotide variant.
Coding change: c.64-9C>T on transcript NM_000188.3 (MANE Select); 9 bases into the intron before coding-DNA position 64, C replaced by T.
Molecular consequence: intron variant.
Genome position (GRCh38, 1-based): chr10:69,343,818, C>T. VCF-style: chr10-69343818-C-T. GRCh37 (hg19) VCF-style: chr10-71103574-C-T.
Other names: c.28-9C>T (NM_033500.2); c.169-9C>T (NM_001322365.2); c.76-9C>T (NM_033498.3, NM_033497.3, NM_001322364.2 and 1 more transcripts); c.61-9C>T (NM_033496.3); c.-21-9C>T (NM_001322366.1); c.64-9C>T (NM_001322367.1).
Identifiers: ClinVar variation 3366490 (VCV003366490.1).